The following is an entry in ClinVar:

NM_001830.4(CLCN4):c.2126C>T (p.Pro709Leu)

Gene: CLCN4 (Cl-/H+ antiporter 4; plus strand). Cytogenetic location: Xp22.2.
Variant type: single nucleotide variant.
Coding change: c.2126C>T on transcript NM_001830.4 (MANE Select); coding-DNA position 2126, C replaced by T.
Protein change: p.Pro709Leu; replaces proline 709 with leucine.
Molecular consequence: missense variant.
Genome position (GRCh38, 1-based): chrX:10,220,811, C>T. VCF-style: chrX-10220811-C-T. GRCh37 (hg19) VCF-style: chrX-10188851-C-T.
Other names: c.1844C>T, p.Pro615Leu (NM_001256944.2); short protein forms P615L, P709L.
Identifiers: ClinVar variation 4887874 (VCV004887874.1).
Genomic context (GRCh38, chrX:10,220,811, plus strand): 5'-ATCCCCTGAAGCTGCGGCGCATCCTGAACCTCAGCCCGTTTACAGTGACAGACCACACTC[C>T]GATGGAAACGGTGGTGGATATCTTCCGGAAACTGGGGCTTCGGCAGTGCCTGGTGACGCG-3'
Protein context (NP_001821.2, residues 699-719): LSPFTVTDHT[Pro709Leu]METVVDIFRK

ClinVar aggregate classification (germline): Uncertain significance (1 of 4 stars; one submission).

gnomAD v4.1: 4 of 1,211,713 alleles (0.00033%); highest among the groups gnomAD compares: South Asian, 0.0018%; no homozygotes.

Submission:

GeneDx
Classification: Uncertain significance. Last evaluated: 2026-02-12. Review status: criteria provided, single submitter. Criteria: GeneDx Variant Classification Process June 2021. Collection method: clinical testing. Allele origin: germline.
Comment: Not observed at significant frequency in large population cohorts (gnomAD); In silico analysis supports that this missense variant has a deleterious effect on protein structure/function; Has not been previously published as pathogenic or benign to our knowledge